The following is an entry in ClinVar:

NC_000002.11:g.(?_189839216)_(192012929_?)dup

Genes: ANKAR (ankyrin and armadillo repeat containing; plus strand), ASNSD1 (asparagine synthetase domain containing 1; plus strand), C2orf88 (chromosome 2 open reading frame 88; plus strand), COL3A1 (collagen type III alpha 1 chain; plus strand), COL5A2 (collagen type V alpha 2 chain; minus strand) and 14 more. Cytogenetic location: 2q32.2-32.3.
Variant type: Duplication.
Identifiers: ClinVar variation 2424635 (VCV002424635.4).

ClinVar aggregate classification (germline): Uncertain significance. Review status: criteria provided, single submitter (1 of 4 stars). 2 submissions from 1 submitter: Uncertain significance (1). 1 of the submissions does not count toward it. Last evaluated 2022-08-19.

Conditions:
Autoimmune enteropathy and endocrinopathy - susceptibility to chronic infections syndrome. Also called: Immunodeficiency 31C, autosomal dominant; Immunodeficiency 31C. Identifiers: Orphanet 391487, MedGen C3279990, MONDO:0013599, OMIM 614162.
Mendelian susceptibility to mycobacterial diseases due to partial STAT1 deficiency. Also called: Immunodeficiency 31a; IMMUNODEFICIENCY 31A, MYCOBACTERIOSIS, AUTOSOMAL DOMINANT; STAT1 DEFICIENCY, AUTOSOMAL DOMINANT. Identifiers: Orphanet 319595, MedGen C4013950, MONDO:0013956, OMIM 614892.
Immunodeficiency 31B. Also called: STAT1 DEFICIENCY, AUTOSOMAL RECESSIVE; IMMUNODEFICIENCY 31B, MYCOBACTERIAL AND VIRAL INFECTIONS, AUTOSOMAL RECESSIVE. Identifiers: Orphanet 391311, MedGen C3151088, MONDO:0013427, OMIM 613796.

Submissions (2):

Labcorp Genetics (formerly Invitae), Labcorp
Classification: Uncertain significance for Mendelian susceptibility to mycobacterial diseases due to partial STAT1 deficiency; Immunodeficiency 31B; Autoimmune enteropathy and endocrinopathy - susceptibility to chronic infections syndrome. Last evaluated: 2022-08-19. Review status: criteria provided, single submitter. Criteria: Invitae Variant Classification Sherloc (09022015). Collection method: clinical testing. Allele origin: germline.
Comment: A copy number gain of the genomic region encompassing the full coding sequence of the STAT1 gene has been identified. The boundaries of this event are unknown as they extend beyond the assayed region for this gene and therefore may encompass additional genes. As the precise location of this event is unknown, it may be in tandem or it may be located elsewhere in the genome. This variant has not been reported in the literature in individuals affected with STAT1-related conditions. In summary, the available evidence is currently insufficient to determine the role of this variant in disease. Therefore, it has been classified as a Variant of Uncertain Significance.

Labcorp Genetics (formerly Invitae), Labcorp
Classification: Uncertain significance. Last evaluated: 2022-08-19. Review status: flagged submission. Criteria: Invitae Variant Classification Sherloc (09022015). Collection method: clinical testing. Allele origin: germline. Not counted in ClinVar's aggregate classification.
Comment: A copy number gain of the genomic region encompassing the full coding sequence of the STAT4 gene has been identified. The boundaries of this event are unknown as they extend beyond the assayed region for this gene and therefore may encompass additional genes. As the precise location of this event is unknown, it may be in tandem or it may be located elsewhere in the genome. This variant has not been reported in the literature in individuals affected with STAT4-related conditions. In summary, the available evidence is currently insufficient to determine the role of this variant in disease. Therefore, it has been classified as a Variant of Uncertain Significance.
ClinVar note: Reason: This record appears to be redundant with a more recent record from the same submitter.
ClinVar note: Notes: SCV003791299 appears to be redundant with SCV003791665.